The following is an entry in ClinVar:

ClinVar aggregate classification (germline): Benign. Review status: criteria provided, single submitter (1 of 4 stars). 2 submissions from 2 submitters: Benign (1). 1 of the submissions does not count toward it. Last evaluated 2019-12-29.

Conditions:
PHF7-related disorder. Also called: PHF7-related condition.

Allele frequency attached by ClinVar (database versions not stated): TOPMed 0.00307; gnomAD 0.00310 and 0.00389; ESP Exome Variant Server 0.00319; gnomAD exomes 0.00588 and 0.00594; ExAC 0.00632; 1000 Genomes Project 30x 0.00781; 1000 Genomes Project 0.00839.

Submissions (2):

Labcorp Genetics (formerly Invitae), Labcorp
Classification: Benign. Last evaluated: 2019-12-29. Review status: criteria provided, single submitter. Criteria: Invitae Variant Classification Sherloc (09022015). Collection method: clinical testing. Allele origin: germline.

PreventionGenetics, part of Exact Sciences
Classification: Likely benign for PHF7-related condition. Last evaluated: 2021-04-13. Review status: no assertion criteria provided. Collection method: clinical testing. Allele origin: germline. Not counted in ClinVar's aggregate classification.
Comment: This variant is classified as likely benign based on ACMG/AMP sequence variant interpretation guidelines (Richards et al. 2015 PMID: 25741868, with internal and published modifications).

NM_016483.7(PHF7):c.920-3_920-2dup

Gene: PHF7 (PHD finger protein 7; plus strand). Cytogenetic location: 3p21.1.
Variant type: Duplication.
Coding change: c.920-3_920-2dup on transcript NM_016483.7 (MANE Select); 3 bases into the intron before coding-DNA position 920 through the canonical splice acceptor site of the intron before coding-DNA position 920, 2 bases duplicated (CA; older notation c.920-3_920-2dupCA).
Molecular consequence: splice acceptor variant.
Genome position (GRCh38, 1-based): chr3:52,423,088-52,423,089, CA duplicated. VCF-style (leftmost placement, unchanged base first): chr3-52423087-C-CCA. GRCh37 (hg19) VCF-style: chr3-52457103-C-CCA.
Other names: c.920-3_920-2dup (NM_001321127.2, NM_001321126.2); c.803-3_803-2dup (NM_001278221.3); c.920-3_920-2dupCA (NM_001321126.1).
Identifiers: ClinVar variation 776465 (VCV000776465.6), dbSNP rs201539522, ClinGen allele CA2437594.